The following is an entry in ClinVar:

NM_003331.5(TYK2):c.1084G>T (p.Val362Phe)

Gene: TYK2 (tyrosine kinase 2; minus strand). Cytogenetic location: 19p13.2.
Variant type: single nucleotide variant.
Coding change: c.1084G>T on transcript NM_003331.5 (MANE Select); coding-DNA position 1084, G replaced by T.
Protein change: p.Val362Phe; replaces valine 362 with phenylalanine.
Molecular consequence: missense variant.
Genome position (GRCh38, 1-based): chr19:10,364,976, C>A on the plus strand (G>T on the coding strand, the complement: TYK2 is on the minus strand). VCF-style: chr19-10364976-C-A. GRCh37 (hg19) VCF-style: chr19-10475652-C-A.
Other names: short protein forms V362F.
Identifiers: ClinVar variation 259040 (VCV000259040.24), dbSNP rs2304256, ClinGen allele CA9193531.

ClinVar aggregate classification (germline): Benign/Likely benign. Review status: criteria provided, multiple submitters, no conflicts (2 of 4 stars). 9 submissions from 9 submitters: Benign (8); Likely benign (1). Last evaluated 2026-02-04.

Conditions:
Immunodeficiency 35 (IMD35). Also called: HIES WITH ATYPICAL MYCOBACTERIOSIS, AUTOSOMAL RECESSIVE; HYPER-IgE SYNDROME WITH ATYPICAL MYCOBACTERIOSIS, AUTOSOMAL RECESSIVE; TYK2 DEFICIENCY; Susceptibility to infection due to TYK2 deficiency. Identifiers: Orphanet 331226, MedGen C1969086, MONDO:0012682, OMIM 611521.

Allele frequency attached by ClinVar (database versions not stated): ESP Exome Variant Server 0.22459; gnomAD 0.22701 and 0.23154; TOPMed 0.23102; 1000 Genomes Project 30x 0.26187; 1000 Genomes Project 0.26577; gnomAD exomes 0.27463; ExAC 0.27684.

Submissions (9):

Labcorp Genetics (formerly Invitae), Labcorp
Classification: Benign for Immunodeficiency 35. Last evaluated: 2026-02-04. Review status: criteria provided, single submitter. Criteria: Invitae Variant Classification Sherloc (09022015). Collection method: clinical testing. Allele origin: germline.

Blueprint Genetics
Classification: Likely benign. Last evaluated: 2024-11-28. Review status: criteria provided, single submitter. Criteria: ACMG Guidelines, 2015. Collection method: clinical testing. Allele origin: germline.

Unidad de Genómica Garrahan, Hospital de Pediatría Garrahan
Classification: Benign. Last evaluated: 2023-11-12. Review status: criteria provided, single submitter. Criteria: ACMG Guidelines, 2015. Collection method: clinical testing. Allele origin: germline. Affected: no. Observed: 40 variant alleles.
Comment: This variant is classified as Benign based on local population frequency. This variant was detected in 42% of patients studied by a panel of primary immunodeficiencies. Number of patients: 40. Only high quality variants are reported.

Mayo Clinic Laboratories, Mayo Clinic
Classification: Benign. Last evaluated: 2023-05-05. Review status: criteria provided, single submitter. Criteria: ACMG Guidelines, 2015. Collection method: clinical testing. Allele origin: germline. Observed: 44 variant alleles.
Comment: BA1

Illumina Laboratory Services, Illumina
Classification: Benign for Immunodeficiency 35. Last evaluated: 2018-03-06. Review status: criteria provided, single submitter. Criteria: ICSL Variant Classification Criteria 13 December 2019. Collection method: clinical testing. Allele origin: germline.
Comment: This variant was observed in the ICSL laboratory as part of a predisposition screen in an ostensibly healthy population. It had not been previously curated by ICSL or reported in the Human Gene Mutation Database (HGMD: prior to June 1st, 2018), and was therefore a candidate for classification through an automated scoring system. Utilizing variant allele frequency, disease prevalence and penetrance estimates, and inheritance mode, an automated score was calculated to assess if this variant is too frequent to cause the disease. Based on the score and internal cut-off values, a variant classified as benign is not then subjected to further curation. The score for this variant resulted in a classification of benign for this disease.

Laboratory for Molecular Medicine, Mass General Brigham Personalized Medicine
Classification: Benign. Last evaluated: 2016-03-28. Review status: criteria provided, single submitter. Criteria: LMM Criteria. Collection method: clinical testing. Allele origin: germline.
Comment: Variant identified in a genome or exome case(s) and assessed due to predicted null impact of the variant or pathogenic assertions in the literature or databases. Disclaimer: This variant has not undergone full assessment. The following are preliminary notes: Frequency

GeneDx
Classification: Benign. Last evaluated: 2015-03-03. Review status: criteria provided, single submitter. Criteria: GeneDx Variant Classification Process June 2021. Collection method: clinical testing. Allele origin: germline. Affected: yes.
Comment: This variant is associated with the following publications: (PMID: 26338038, 31961910, 19567624, 28973304, 26502338, 15657875)

Breakthrough Genomics
Classification: Benign. Review status: criteria provided, single submitter. Criteria: ACMG Guidelines, 2015. Collection method: not provided. Allele origin: germline. Inheritance: Autosomal recessive inheritance. Affected: yes.

PreventionGenetics, part of Exact Sciences
Classification: Benign. Review status: criteria provided, single submitter. Criteria: ACMG Guidelines, 2015. Collection method: clinical testing. Allele origin: germline.